The following is an entry in ClinVar:

NM_016648.4(LARP7):c.305T>A (p.Leu102His)

Gene: LARP7 (La ribonucleoprotein 7, transcriptional regulator; plus strand). Cytogenetic location: 4q25.
Variant type: single nucleotide variant.
Coding change: c.305T>A on transcript NM_016648.4 (MANE Select); coding-DNA position 305, T replaced by A.
Protein change: p.Leu102His; replaces leucine 102 with histidine.
Molecular consequence: missense variant.
Genome position (GRCh38, 1-based): chr4:112,646,589, T>A. VCF-style: chr4-112646589-T-A. GRCh37 (hg19) VCF-style: chr4-113567745-T-A.
Other names: c.305T>A, p.Leu102His (NM_001267039.4, NM_001370974.1, NM_001370975.1 and 6 more transcripts); c.68T>A, p.Leu23His (NM_001370981.1, NM_001370982.1); short protein forms L23H, L102H.
Identifiers: ClinVar variation 1932586 (VCV001932586.2), dbSNP rs1210135862, ClinGen allele CA357921839.

ClinVar aggregate classification (germline): Uncertain significance (1 of 4 stars; one submission).

Allele frequency attached by ClinVar (database versions not stated): gnomAD exomes below 0.00001; TOPMed 0.00001.
gnomAD v4.1: 1 of 1,567,466 alleles (0.000064%); highest among the groups gnomAD compares: Admixed American, 0.0018%; no homozygotes.

Submission:

Labcorp Genetics (formerly Invitae), Labcorp
Classification: Uncertain significance. Last evaluated: 2022-06-09. Review status: criteria provided, single submitter. Criteria: Invitae Variant Classification Sherloc (09022015). Collection method: clinical testing. Allele origin: germline.
Comment: This sequence change replaces leucine, which is neutral and non-polar, with histidine, which is basic and polar, at codon 102 of the LARP7 protein (p.Leu102His). The frequency data for this variant in the population databases is considered unreliable, as metrics indicate poor data quality at this position in the gnomAD database. This variant has not been reported in the literature in individuals affected with LARP7-related conditions. Algorithms developed to predict the effect of missense changes on protein structure and function are either unavailable or do not agree on the potential impact of this missense change (SIFT: "Deleterious"; PolyPhen-2: "Probably Damaging"; Align-GVGD: "Class C0"). In summary, the available evidence is currently insufficient to determine the role of this variant in disease. Therefore, it has been classified as a Variant of Uncertain Significance.